The following is an entry in ClinVar:

NM_001166108.2(PALLD):c.1965-12576C>T

Gene: PALLD (palladin, cytoskeletal associated protein; plus strand). Cytogenetic location: 4q32.3.
Variant type: single nucleotide variant.
Coding change: c.1965-12576C>T on transcript NM_001166108.2 (MANE Select); 12576 bases into the intron before coding-DNA position 1965, C replaced by T.
Molecular consequence: intron variant. On other transcripts: missense variant (1).
Genome position (GRCh38, 1-based): chr4:168,878,346, C>T. VCF-style: chr4-168878346-C-T. GRCh37 (hg19) VCF-style: chr4-169799497-C-T.
Other names: c.455C>T, p.Pro152Leu (NM_001166110.2); c.1965-12576C>T (NM_016081.4); c.819-12576C>T (NM_001166109.2); c.-157-12576C>T (NM_001367570.1, NM_001367568.1, NM_001367567.1 and 1 more transcripts); short protein forms P152L.
Identifiers: ClinVar variation 4564192 (VCV004564192.1).

ClinVar aggregate classification (germline): Uncertain significance (1 of 4 stars; one submission).

gnomAD v4.1: 1 of 1,519,634 alleles (0.000066%); highest among the groups gnomAD compares: African/African-American, 0.0014%; no homozygotes.

Submission:

Ambry Genetics
Classification: Uncertain significance. Last evaluated: 2025-11-26. Review status: criteria provided, single submitter. Criteria: Ambry Variant Classification Scheme 2023. Collection method: clinical testing. Allele origin: germline.
Comment: The p.P152L variant (also known as c.455C>T), located in coding exon 1 of the PALLD gene, results from a C to T substitution at nucleotide position 455. The proline at codon 152 is replaced by leucine, an amino acid with similar properties. This amino acid position is conserved. In addition, this alteration is predicted to be tolerated by in silico analysis. Based on the available evidence, the clinical significance of this variant remains unclear.